The following is an entry in ClinVar:

NM_001365999.1(SZT2):c.1213G>A (p.Val405Ile)

Gene: SZT2 (SZT2 subunit of KICSTOR complex; plus strand). Cytogenetic location: 1p34.2.
Variant type: single nucleotide variant.
Coding change: c.1213G>A on transcript NM_001365999.1 (MANE Select); coding-DNA position 1213, G replaced by A.
Protein change: p.Val405Ile; replaces valine 405 with isoleucine.
Molecular consequence: missense variant.
Genome position (GRCh38, 1-based): chr1:43,420,275, G>A. VCF-style: chr1-43420275-G-A. GRCh37 (hg19) VCF-style: chr1-43885946-G-A.
Other names: c.1213G>A, p.Val405Ile (NM_015284.4); c.1213G>A (NM_015284.3); short protein forms V405I.
Identifiers: ClinVar variation 2156700 (VCV002156700.2), dbSNP rs758088517, ClinGen allele CA808353.

ClinVar aggregate classification (germline): Uncertain significance. Review status: criteria provided, multiple submitters, no conflicts (2 of 4 stars). 2 submissions from 2 submitters: Uncertain significance (2). Last evaluated 2024-07-09.

Allele frequency attached by ClinVar (database versions not stated): gnomAD 0.00004.
gnomAD v4.1: 120 of 1,598,028 alleles (0.0075%); highest among the groups gnomAD compares: Middle Eastern, 0.016%; 1 homozygote.

Submissions (2):

GeneDx
Classification: Uncertain significance. Last evaluated: 2024-07-09. Review status: criteria provided, single submitter. Criteria: GeneDx Variant Classification Process June 2021. Collection method: clinical testing. Allele origin: germline. Affected: yes.
Comment: Not observed at significant frequency in large population cohorts (gnomAD); In silico analysis indicates that this missense variant does not alter protein structure/function; Has not been previously published as pathogenic or benign to our knowledge

Labcorp Genetics (formerly Invitae), Labcorp
Classification: Uncertain significance. Last evaluated: 2022-03-01. Review status: criteria provided, single submitter. Criteria: Invitae Variant Classification Sherloc (09022015). Collection method: clinical testing. Allele origin: germline.
Comment: This sequence change replaces valine, which is neutral and non-polar, with isoleucine, which is neutral and non-polar, at codon 405 of the SZT2 protein (p.Val405Ile). This variant is present in population databases (rs758088517, gnomAD 0.01%). This variant has not been reported in the literature in individuals affected with SZT2-related conditions. Algorithms developed to predict the effect of missense changes on protein structure and function are either unavailable or do not agree on the potential impact of this missense change (SIFT: "Deleterious"; PolyPhen-2: "Possibly Damaging"; Align-GVGD: "Class C0"). In summary, the available evidence is currently insufficient to determine the role of this variant in disease. Therefore, it has been classified as a Variant of Uncertain Significance.